The following is an entry in ClinVar:

ClinVar aggregate classification (germline): Uncertain significance (1 of 4 stars; one submission).

Submission:

Ambry Genetics
Classification: Uncertain significance. Last evaluated: 2025-05-02. Review status: criteria provided, single submitter. Criteria: Ambry Variant Classification Scheme 2023. Collection method: clinical testing. Allele origin: germline.
Comment: The p.R449S variant (also known as c.1347A>T), located in coding exon 2 of the CDK12 gene, results from an A to T substitution at nucleotide position 1347. The arginine at codon 449 is replaced by serine, an amino acid with dissimilar properties. This amino acid position is conserved. In addition, this alteration is predicted to be tolerated by in silico analysis. Based on the available evidence, the clinical significance of this variant remains unclear.

NM_016507.4(CDK12):c.1347A>T (p.Arg449Ser)

Gene: CDK12 (cyclin dependent kinase 12; plus strand). Cytogenetic location: 17q12.
Variant type: single nucleotide variant.
Coding change: c.1347A>T on transcript NM_016507.4 (MANE Select); coding-DNA position 1347, A replaced by T.
Protein change: p.Arg449Ser; replaces arginine 449 with serine.
Molecular consequence: missense variant.
Genome position (GRCh38, 1-based): chr17:39,471,179, A>T. VCF-style: chr17-39471179-A-T. GRCh37 (hg19) VCF-style: chr17-37627432-A-T.
Other names: c.1347A>T, p.Arg449Ser (NM_015083.4); short protein forms R449S.
Identifiers: ClinVar variation 3999406 (VCV003999406.1).